The following is an entry in ClinVar:

ClinVar aggregate classification (germline): Benign/Likely benign. Review status: criteria provided, multiple submitters, no conflicts (2 of 4 stars). 8 submissions from 8 submitters: Benign (2); Likely benign (6). Last evaluated 2026-07-23.

Conditions:
Inborn genetic diseases. Identifiers: MedGen C0950123, MeSH D030342.
MBD5-related disorder. Also called: MBD5-related condition.
Intellectual developmental disorder, autosomal dominant 1. Also called: Intellectual disability, autosomal dominant 1; MBD5 Haploinsufficiency. Identifiers: Orphanet 228402, MedGen C1969562, MONDO:0007974, OMIM 156200.

Allele frequency attached by ClinVar (database versions not stated): ESP Exome Variant Server 0.00008; 1000 Genomes Project 30x 0.00016; gnomAD exomes 0.00018 and 0.00028; 1000 Genomes Project 0.00020; gnomAD 0.00020 and 0.00021; TOPMed 0.00031; ExAC 0.00034.
gnomAD v4.1: 297 of 1,613,870 alleles (0.018%); highest among the groups gnomAD compares: Middle Eastern, 0.05%; no homozygotes.

Submissions (8):

PreventionGenetics, part of Exact Sciences
Classification: Likely benign for MBD5-related condition. Last evaluated: 2026-07-23. Review status: criteria provided, single submitter. Criteria: ACMG Guidelines, 2015. Collection method: clinical testing. Allele origin: germline.
Comment: This variant is classified as likely benign based on ACMG/AMP sequence variant interpretation guidelines (Richards et al. 2015 PMID: 25741868, with internal and published modifications).

Labcorp Genetics (formerly Invitae), Labcorp
Classification: Benign for Intellectual developmental disorder, autosomal dominant 1. Last evaluated: 2025-12-29. Review status: criteria provided, single submitter. Criteria: Invitae Variant Classification Sherloc (09022015). Collection method: clinical testing. Allele origin: germline.

Blueprint Genetics
Classification: Likely benign. Last evaluated: 2024-07-25. Review status: criteria provided, single submitter. Criteria: ACMG Guidelines, 2015. Collection method: clinical testing. Allele origin: germline.

Athena Diagnostics
Classification: Benign. Last evaluated: 2024-04-15. Review status: criteria provided, single submitter. Criteria: Athena Diagnostics Criteria. Collection method: clinical testing. Allele origin: unknown.

CeGaT Center for Human Genetics Tuebingen
Classification: Likely benign. Last evaluated: 2023-08-01. Review status: criteria provided, single submitter. Criteria: CeGaT Center For Human Genetics Tuebingen Variant Classification Criteria Version 2. Collection method: clinical testing. Allele origin: germline. Affected: yes. Observed: 3 variant alleles.
Comment: MBD5: BP4

Ambry Genetics
Classification: Likely benign for Inborn genetic diseases. Last evaluated: 2023-06-21. Review status: criteria provided, single submitter. Criteria: Ambry Variant Classification Scheme 2023. Collection method: clinical testing. Allele origin: germline.

GeneDx
Classification: Likely benign. Last evaluated: 2020-12-29. Review status: criteria provided, single submitter. Criteria: GeneDx Variant Classification Process June 2021. Collection method: clinical testing. Allele origin: germline. Affected: yes.

Breakthrough Genomics
Classification: Likely benign. Review status: criteria provided, single submitter. Criteria: ACMG Guidelines, 2015. Collection method: not provided. Allele origin: germline. Inheritance: Autosomal dominant inheritance. Affected: yes.

NM_001378120.1(MBD5):c.1535C>T (p.Ser512Phe)

Gene: MBD5 (methyl-CpG binding domain protein 5; plus strand). Cytogenetic location: 2q23.1.
Variant type: single nucleotide variant.
Coding change: c.1535C>T on transcript NM_001378120.1 (MANE Select); coding-DNA position 1535, C replaced by T.
Protein change: p.Ser512Phe; replaces serine 512 with phenylalanine.
Molecular consequence: missense variant.
Genome position (GRCh38, 1-based): chr2:148,469,478, C>T. VCF-style: chr2-148469478-C-T. GRCh37 (hg19) VCF-style: chr2-149227047-C-T.
Other names: p.S512F:TCC>TTC; c.1535C>T, p.Ser512Phe (NM_018328.5); short protein forms S512F.
Identifiers: ClinVar variation 206072 (VCV000206072.43), dbSNP rs201695275, ClinGen allele CA315800.
Genomic context (GRCh38, chr2:148,469,478, plus strand): 5'-CACCAAGGTCAACAATAGGGTCCCCAAGGCCATCAATGCCATCAAGCCCTTCTACCAAGT[C>T]CGATGGACATCATCAGTACAAGGATATCCCTAACCCATTAATTGCTGGAATAAGTAATGT-3'
Protein context (NP_001365049.1, residues 502-522): PSMPSSPSTK[Ser512Phe]DGHHQYKDIP